The following is an entry in ClinVar:

NM_213655.5(WNK1):c.2519C>T (p.Ala840Val)

Gene: WNK1 (WNK lysine deficient protein kinase 1; plus strand). Cytogenetic location: 12p13.33.
Variant type: single nucleotide variant.
Coding change: c.2519C>T on transcript NM_213655.5 (MANE Plus Clinical); coding-DNA position 2519, C replaced by T.
Protein change: p.Ala840Val; replaces alanine 840 with valine.
Molecular consequence: missense variant. On other transcripts: intron variant (2).
Genome position (GRCh38, 1-based): chr12:867,990, C>T. VCF-style: chr12-867990-C-T. GRCh37 (hg19) VCF-style: chr12-977156-C-T.
Other names: c.2264C>T, p.Ala755Val (NM_001184985.2); c.2140-3275C>T (NM_018979.4, NM_014823.3); short protein forms A755V, A840V.
Identifiers: ClinVar variation 2944969 (VCV002944969.3), dbSNP rs2548780879, ClinGen allele CA383338980.

ClinVar aggregate classification (germline): Uncertain significance (1 of 4 stars; one submission).

Conditions:
Neuropathy, hereditary sensory and autonomic, type 2A (HSAN2A). Also called: ACROOSTEOLYSIS, GIACCAI TYPE; ACROOSTEOLYSIS, NEUROGENIC; MORVAN DISEASE; NEUROPATHY, CONGENITAL SENSORY; NEUROPATHY, HEREDITARY SENSORY RADICULAR, AUTOSOMAL RECESSIVE; NEUROPATHY, HEREDITARY SENSORY, TYPE IIA. Identifiers: Orphanet 970, MedGen C2752089, MONDO:0024309, OMIM 201300.
Pseudohypoaldosteronism type 2C (PHA2C). Also called: Pseudohypoaldosteronism Type IIC. Identifiers: Orphanet 757, Orphanet 88940, MedGen C1840391, MONDO:0013778, OMIM 614492.

Allele frequency attached by ClinVar (database versions not stated): gnomAD exomes below 0.00001.
gnomAD v4.1: 1 of 1,614,020 alleles (0.000062%); highest among the groups gnomAD compares: Non-Finnish European, 0.000085%; no homozygotes.

Submission:

Labcorp Genetics (formerly Invitae), Labcorp
Classification: Uncertain significance for Neuropathy, hereditary sensory and autonomic, type 2A; Pseudohypoaldosteronism type 2C. Last evaluated: 2023-05-15. Review status: criteria provided, single submitter. Criteria: Invitae Variant Classification Sherloc (09022015). Collection method: clinical testing. Allele origin: germline.
Comment: This sequence change replaces alanine, which is neutral and non-polar, with valine, which is neutral and non-polar, at codon 840 of the WNK1 protein (p.Ala840Val). This variant is not present in population databases (gnomAD no frequency). This variant has not been reported in the literature in individuals affected with WNK1-related conditions. Advanced modeling of protein sequence and biophysical properties (such as structural, functional, and spatial information, amino acid conservation, physicochemical variation, residue mobility, and thermodynamic stability) performed at Invitae indicates that this missense variant is not expected to disrupt WNK1 protein function. In summary, the available evidence is currently insufficient to determine the role of this variant in disease. Therefore, it has been classified as a Variant of Uncertain Significance.